The following is an entry in ClinVar:

NM_001013838.3(CARMIL2):c.416G>T (p.Arg139Leu)

Gene: CARMIL2 (capping protein regulator and myosin 1 linker 2; plus strand). Cytogenetic location: 16q22.1.
Variant type: single nucleotide variant.
Coding change: c.416G>T on transcript NM_001013838.3 (MANE Select); coding-DNA position 416, G replaced by T.
Protein change: p.Arg139Leu; replaces arginine 139 with leucine.
Molecular consequence: missense variant.
Genome position (GRCh38, 1-based): chr16:67,646,467, G>T. VCF-style: chr16-67646467-G-T. GRCh37 (hg19) VCF-style: chr16-67680370-G-T.
Other names: c.416G>T, p.Arg139Leu (NM_001317026.3); short protein forms R139L.
Identifiers: ClinVar variation 2111968 (VCV002111968.4), dbSNP rs201619990, ClinGen allele CA396331163.
Genomic context (GRCh38, chr16:67,646,467, plus strand): 5'-CTCCTTAACCCCCTACCAGGAAGCTATTCCGGAGGCCCACACCAGCCTCCATGCTGGCTC[G>T]GCTGGAGAGAAGCAGCCCCTCGGAGTCCACTGACCCCTGCAGCCCCTGTGGTAAGGGTGA-3'
Protein context (NP_001013860.1, residues 129-149): RRPTPASMLA[Arg139Leu]LERSSPSEST

ClinVar aggregate classification (germline): Uncertain significance (1 of 4 stars; one submission).

gnomAD v4.1: 3 of 1,613,412 alleles (0.00019%); highest among the groups gnomAD compares: South Asian, 0.0022%; no homozygotes.

Submission:

Labcorp Genetics (formerly Invitae), Labcorp
Classification: Uncertain significance. Last evaluated: 2022-03-14. Review status: criteria provided, single submitter. Criteria: Invitae Variant Classification Sherloc (09022015). Collection method: clinical testing. Allele origin: germline.
Comment: This sequence change replaces arginine, which is basic and polar, with leucine, which is neutral and non-polar, at codon 139 of the CARMIL2 protein (p.Arg139Leu). This variant is not present in population databases (gnomAD no frequency). This variant has not been reported in the literature in individuals affected with CARMIL2-related conditions. Algorithms developed to predict the effect of missense changes on protein structure and function (SIFT, PolyPhen-2, Align-GVGD) all suggest that this variant is likely to be tolerated. In summary, the available evidence is currently insufficient to determine the role of this variant in disease. Therefore, it has been classified as a Variant of Uncertain Significance.